The following is an entry in ClinVar:

ClinVar aggregate classification (germline): Likely pathogenic (1 of 4 stars; one submission).

Conditions:
Autosomal recessive limb-girdle muscular dystrophy type 2J (LGMDR10). Also called: Limb-girdle muscular dystrophy, type 2J; MUSCULAR DYSTROPHY, LIMB-GIRDLE, AUTOSOMAL RECESSIVE 10. Identifiers: Orphanet 140922, MedGen C1837342, MONDO:0012127, OMIM 608807.
Dilated cardiomyopathy 1G (CMD1G). Identifiers: Orphanet 154, MedGen C1858763, MONDO:0011400, OMIM 604145.

Submission:

Labcorp Genetics (formerly Invitae), Labcorp
Classification: Likely pathogenic for Dilated cardiomyopathy 1G; Autosomal recessive limb-girdle muscular dystrophy type 2J. Last evaluated: 2025-10-05. Review status: criteria provided, single submitter. Criteria: Invitae Variant Classification Sherloc (09022015). Collection method: clinical testing. Allele origin: germline.
Comment: This sequence change affects a donor splice site in intron 350 of the TTN gene. It is expected to disrupt RNA splicing and likely results in a truncated or disrupted TTN protein. This variant is not present in population databases (gnomAD no frequency). Disruption of this splice site has been observed in individual(s) with cardiomyopathy (internal data). Algorithms developed to predict the effect of sequence changes on RNA splicing suggest that this variant may disrupt the consensus splice site. This variant is located in the A band of TTN (PMID: 25589632). Truncating variants in this region are significantly overrepresented in patients affected with dilated cardiomyopathy (PMID: 25589632). Truncating variants in this region have also been reported in individuals affected with autosomal recessive centronuclear myopathy (PMID: 23975875). In summary, the currently available evidence indicates that the variant is pathogenic, but additional data are needed to prove that conclusively. Therefore, this variant has been classified as Likely Pathogenic.

Literature cited by the submitters: PubMed 25589632; PubMed 23975875.

NM_001267550.2(TTN):c.97795+1G>A

Genes: TTN (titin; minus strand), TTN-AS1 (TTN antisense RNA 1; plus strand). Cytogenetic location: 2q31.2.
Variant type: single nucleotide variant.
Coding change: c.97795+1G>A on transcript NM_001267550.2 (MANE Select); the canonical splice donor site of the intron after coding-DNA position 97795, G replaced by A.
Molecular consequence: splice donor variant.
Genome position (GRCh38, 1-based): chr2:178,541,281, C>T on the plus strand (G>A on the coding strand, the complement: TTN is on the minus strand). VCF-style: chr2-178541281-C-T. GRCh37 (hg19) VCF-style: chr2-179406008-C-T.
Other names: c.70600+1G>A (NM_003319.4); c.71176+1G>A (NM_133437.4); c.70975+1G>A (NM_133432.3); c.90091+1G>A (NM_133378.4); c.92872+1G>A (NM_001256850.1).
Identifiers: ClinVar variation 4786318 (VCV004786318.1).